The following is an entry in ClinVar:

ClinVar aggregate classification (germline): Uncertain significance (1 of 4 stars; one submission).

Conditions:
Severe combined immunodeficiency due to DNA-PKcs deficiency. Also called: IMMUNODEFICIENCY 26 WITH NEUROLOGIC ABNORMALITIES; Immunodeficiency 26 with or without neurologic abnormalities. Identifiers: Orphanet 317425, MedGen C4014833, MONDO:0014423, OMIM 615966.

Allele frequency attached by ClinVar (database versions not stated): gnomAD exomes below 0.00001; gnomAD 0.00001; TOPMed 0.00001.
gnomAD v4.1: 7 of 1,613,780 alleles (0.00043%); highest among the groups gnomAD compares: Non-Finnish European, 0.00059%; no homozygotes.

Submission:

Labcorp Genetics (formerly Invitae), Labcorp
Classification: Uncertain significance for Severe combined immunodeficiency due to DNA-PKcs deficiency. Last evaluated: 2021-05-10. Review status: criteria provided, single submitter. Criteria: Invitae Variant Classification Sherloc (09022015). Collection method: clinical testing. Allele origin: germline.
Comment: This variant has not been reported in the literature in individuals with PRKDC-related conditions. This variant is not present in population databases (ExAC no frequency). This sequence change replaces glutamic acid with aspartic acid at codon 3427 of the PRKDC protein (p.Glu3427Asp). The glutamic acid residue is weakly conserved and there is a small physicochemical difference between glutamic acid and aspartic acid. Experimental studies and prediction algorithms are not available or were not evaluated, and the functional significance of this variant is currently unknown. In summary, the available evidence is currently insufficient to determine the role of this variant in disease. Therefore, it has been classified as a Variant of Uncertain Significance.

NM_006904.7(PRKDC):c.10281G>C (p.Glu3427Asp)

Gene: PRKDC (protein kinase, DNA-activated, catalytic subunit; minus strand). Cytogenetic location: 8q11.21.
Variant type: single nucleotide variant.
Coding change: c.10281G>C on transcript NM_006904.7 (MANE Select); coding-DNA position 10281, G replaced by C.
Protein change: p.Glu3427Asp; replaces glutamic acid 3427 with aspartic acid.
Molecular consequence: missense variant.
Genome position (GRCh38, 1-based): chr8:47,799,226, C>G on the plus strand (G>C on the coding strand, the complement: PRKDC is on the minus strand). VCF-style: chr8-47799226-C-G. GRCh37 (hg19) VCF-style: chr8-48711787-C-G.
Other names: c.10281G>C, p.Glu3427Asp (NM_001081640.2); short protein forms E3427D.
Identifiers: ClinVar variation 1461733 (VCV001461733.6), dbSNP rs1024528105, ClinGen allele CA176145681.